The following is an entry in ClinVar:

NM_007129.5(ZIC2):c.446C>G (p.Ala149Gly)

Gene: ZIC2 (Zic family zinc finger 2; plus strand). Cytogenetic location: 13q32.3.
Variant type: single nucleotide variant.
Coding change: c.446C>G on transcript NM_007129.5 (MANE Select); coding-DNA position 446, C replaced by G.
Protein change: p.Ala149Gly; replaces alanine 149 with glycine.
Molecular consequence: missense variant.
Genome position (GRCh38, 1-based): chr13:99,982,510, C>G. VCF-style: chr13-99982510-C-G. GRCh37 (hg19) VCF-style: chr13-100634764-C-G.
Other names: short protein forms A149G.
Identifiers: ClinVar variation 4798622 (VCV004798622.1).

ClinVar aggregate classification (germline): Uncertain significance (1 of 4 stars; one submission).

Conditions:
Holoprosencephaly 5 (HPE5). Identifiers: Orphanet 2162, MedGen C1864827, MONDO:0012322, OMIM 609637.

Submission:

Labcorp Genetics (formerly Invitae), Labcorp
Classification: Uncertain significance for Holoprosencephaly 5. Last evaluated: 2025-03-05. Review status: criteria provided, single submitter. Criteria: Invitae Variant Classification Sherloc (09022015). Collection method: clinical testing. Allele origin: germline.
Comment: This sequence change replaces alanine, which is neutral and non-polar, with glycine, which is neutral and non-polar, at codon 149 of the ZIC2 protein (p.Ala149Gly). This variant is not present in population databases (gnomAD no frequency). This variant has not been reported in the literature in individuals affected with ZIC2-related conditions. An algorithm developed to predict the effect of missense changes on protein structure and function (PolyPhen-2) suggests that this variant is likely to be tolerated. In summary, the available evidence is currently insufficient to determine the role of this variant in disease. Therefore, it has been classified as a Variant of Uncertain Significance.